The following is an entry in ClinVar:

ClinVar aggregate classification (germline): Conflicting classifications of pathogenicity. Review status: criteria provided, conflicting classifications (1 of 4 stars). 2 submissions from 2 submitters: Uncertain significance (1); Likely benign (1). Last evaluated 2024-04-08.

Allele frequency attached by ClinVar (database versions not stated): gnomAD 0.00001 and 0.00002; gnomAD exomes 0.00001 and 0.00003; TOPMed 0.00001; ExAC 0.00002.
gnomAD v4.1: 15 of 1,606,206 alleles (0.00093%); highest among the groups gnomAD compares: Admixed American, 0.018%; no homozygotes.

Submissions (2):

Blueprint Genetics
Classification: Likely benign. Last evaluated: 2024-04-08. Review status: criteria provided, single submitter. Criteria: ACMG Guidelines, 2015. Collection method: clinical testing. Allele origin: germline.

Labcorp Genetics (formerly Invitae), Labcorp
Classification: Uncertain significance. Last evaluated: 2022-07-06. Review status: criteria provided, single submitter. Criteria: Invitae Variant Classification Sherloc (09022015). Collection method: clinical testing. Allele origin: germline.
Comment: This sequence change falls in intron 6 of the PEPD gene. It does not directly change the encoded amino acid sequence of the PEPD protein. It affects a nucleotide within the consensus splice site. This variant is present in population databases (rs754956964, gnomAD 0.02%). This variant has not been reported in the literature in individuals affected with PEPD-related conditions. ClinVar contains an entry for this variant (Variation ID: 1392974). Variants that disrupt the consensus splice site are a relatively common cause of aberrant splicing (PMID: 17576681, 9536098). Algorithms developed to predict the effect of sequence changes on RNA splicing suggest that this variant is not likely to affect RNA splicing. In summary, the available evidence is currently insufficient to determine the role of this variant in disease. Therefore, it has been classified as a Variant of Uncertain Significance.

Literature cited by the submitters: PubMed 17576681 (cited by Labcorp Genetics (formerly Invitae), Labcorp); PubMed 9536098 (cited by Labcorp Genetics (formerly Invitae), Labcorp).

NM_000285.4(PEPD):c.504-3C>T

Gene: PEPD (peptidase D; minus strand). Cytogenetic location: 19q13.11.
Variant type: single nucleotide variant.
Coding change: c.504-3C>T on transcript NM_000285.4 (MANE Select); 3 bases into the intron before coding-DNA position 504, C replaced by T.
Molecular consequence: intron variant.
Genome position (GRCh38, 1-based): chr19:33,478,093, G>A on the plus strand (C>T on the coding strand, the complement: PEPD is on the minus strand). VCF-style: chr19-33478093-G-A. GRCh37 (hg19) VCF-style: chr19-33968999-G-A.
Other names: c.312-3C>T (NM_001166057.2); c.504-3C>T (NM_001166056.2).
Identifiers: ClinVar variation 1392974 (VCV001392974.4), dbSNP rs754956964, ClinGen allele CA9364274.